The following is an entry in ClinVar:

ClinVar aggregate classification (germline): Uncertain significance (1 of 4 stars; one submission).

gnomAD v4.1: 1 of 1,613,244 alleles (0.000062%); highest among the groups gnomAD compares: South Asian, 0.0011%; no homozygotes.

Submission:

Mayo Clinic Laboratories, Mayo Clinic
Classification: Uncertain significance. Last evaluated: 2025-11-02. Review status: criteria provided, single submitter. Criteria: ACMG Guidelines, 2015. Collection method: clinical testing. Allele origin: germline. Observed: 1 variant allele.
Comment: PM2_supporting

NM_052867.4(NALCN):c.1055A>G (p.His352Arg)

Gene: NALCN (sodium leak channel, non-selective; minus strand). Cytogenetic location: 13q33.1.
Variant type: single nucleotide variant.
Coding change: c.1055A>G on transcript NM_052867.4 (MANE Select); coding-DNA position 1055, A replaced by G.
Protein change: p.His352Arg; replaces histidine 352 with arginine.
Molecular consequence: missense variant. On other transcripts: intron variant (2).
Genome position (GRCh38, 1-based): chr13:101,284,012, T>C on the plus strand (A>G on the coding strand, the complement: NALCN is on the minus strand). VCF-style: chr13-101284012-T-C. GRCh37 (hg19) VCF-style: chr13-101936363-T-C.
Other names: p.His352Arg; c.1055A>G, p.His352Arg (NM_001350748.2, NM_001350749.2); c.1047+7978A>G (NM_001350751.2, NM_001350750.2); short protein forms H352R.
Identifiers: ClinVar variation 4541798 (VCV004541798.1).